The following is an entry in ClinVar:

NM_000535.7(PMS2):c.1861del (p.Ser621fs)

Gene: PMS2 (PMS1 homolog 2, mismatch repair system component; minus strand). Cytogenetic location: 7p22.1.
Variant type: Deletion.
Coding change: c.1861del on transcript NM_000535.7 (MANE Select); coding-DNA position 1861, one base deleted (T; older notation c.1861delT).
Protein change: p.Ser621fs; shifts the reading frame from serine 621.
Molecular consequence: frameshift variant. On other transcripts: non-coding transcript variant (1).
Genome position (GRCh38, 1-based): chr7:5,986,904, A deleted on the plus strand (T on the coding strand, the reverse complement: PMS2 is on the minus strand); the first of 4 consecutive A bases (chr7:5,986,904-5,986,907); deleting any one gives the same sequence. VCF-style (leftmost placement, unchanged base first): chr7-5986903-GA-G. GRCh37 (hg19) VCF-style: chr7-6026534-GA-G.
Other names: c.1456del, p.Ser486fs (NM_001322003.2, NM_001322004.2, NM_001322005.2 and 1 more transcripts); c.1705del, p.Ser569fs (NM_001322006.2); c.1543del, p.Ser515fs (NM_001322007.2, NM_001322008.2); c.1300del, p.Ser434fs (NM_001322010.2); c.928del, p.Ser310fs (NM_001322011.2, NM_001322012.2); c.1552del, p.Ser518fs (NM_001322015.2); c.1288del, p.Ser430fs (NM_001322013.2); c.1861del, p.Ser621fs (NM_001322014.2); and 1 more; short protein forms S310fs, S430fs, S434fs, S486fs, S515fs, S518fs, S569fs, S621fs.
Identifiers: ClinVar variation 1323474 (VCV001323474.6), dbSNP rs2128722209, ClinGen allele CA2573052898.

ClinVar aggregate classification (germline): Pathogenic. Review status: criteria provided, multiple submitters, no conflicts (2 of 4 stars). 2 submissions from 2 submitters: Pathogenic (2). Last evaluated 2019-05-07.

Conditions:
Hereditary cancer-predisposing syndrome. Also called: Hereditary neoplastic syndrome; Neoplastic Syndromes, Hereditary; Tumor predisposition; Hereditary Cancer Syndrome. Identifiers: Orphanet 140162, MedGen C0027672, MeSH D009386, MONDO:0015356.

Submissions (2):

Revvity Omics, Revvity
Classification: Pathogenic. Last evaluated: 2019-05-07. Review status: criteria provided, single submitter. Criteria: ACMG Guidelines, 2015. Collection method: clinical testing. Allele origin: germline.

Ambry Genetics
Classification: Pathogenic for Hereditary cancer-predisposing syndrome. Last evaluated: 2018-07-06. Review status: criteria provided, single submitter. Criteria: Ambry Variant Classification Scheme 2023. Collection method: clinical testing. Allele origin: germline.
Comment: The c.1861delT pathogenic mutation, located in coding exon 11 of the PMS2 gene, results from a deletion of one nucleotide at nucleotide position 1861, causing a translational frameshift with a predicted alternate stop codon (p.S621Lfs*2). This alteration is expected to result in loss of function by premature protein truncation or nonsense-mediated mRNA decay. As such, this alteration is interpreted as a disease-causing mutation.